The following is an entry in ClinVar:

ClinVar aggregate classification (germline): Pathogenic (1 of 4 stars; one submission).

Conditions:
PRPH2-related disorder. Also called: PRPH2-related disorders; PRPH2-related condition. Identifiers: MedGen CN239395.

Submission:

Labcorp Genetics (formerly Invitae), Labcorp
Classification: Pathogenic for PRPH2-related disorder. Last evaluated: 2020-10-01. Review status: criteria provided, single submitter. Criteria: Invitae Variant Classification Sherloc (09022015). Collection method: clinical testing. Allele origin: germline.
Comment: For these reasons, this variant has been classified as Pathogenic. Loss-of-function variants in PRPH2 are known to be pathogenic (PMID: 8111389, 8485576, 8675410, 16916875, 17504850, 25675413, 26061163, 27365499, 29555955). This variant has not been reported in the literature in individuals with PRPH2-related conditions. This variant is not present in population databases (ExAC no frequency). This sequence change creates a premature translational stop signal (p.Lys80Glufs*97) in the PRPH2 gene. It is expected to result in an absent or disrupted protein product.

Literature cited by the submitters: PubMed 8111389; PubMed 8485576; PubMed 8675410; PubMed 16916875; PubMed 17504850; PubMed 25675413; PubMed 26061163; PubMed 27365499; PubMed 29555955.

NM_000322.5(PRPH2):c.237dup (p.Lys80fs)

Gene: PRPH2 (peripherin 2; minus strand). Cytogenetic location: 6p21.1.
Variant type: Duplication.
Coding change: c.237dup on transcript NM_000322.5 (MANE Select); coding-DNA position 237, one base duplicated (G; older notation c.237dupG).
Protein change: p.Lys80fs; shifts the reading frame from lysine 80.
Molecular consequence: frameshift variant.
Genome position (GRCh38, 1-based): chr6:42,722,098, C duplicated on the plus strand (G on the coding strand, the reverse complement: PRPH2 is on the minus strand); the first of 3 consecutive C bases (chr6:42,722,098-42,722,100); duplicating any one gives the same sequence. VCF-style (leftmost placement, unchanged base first): chr6-42722097-T-TC. GRCh37 (hg19) VCF-style: chr6-42689835-T-TC.
Other names: short protein forms K80fs.
Identifiers: ClinVar variation 860621 (VCV000860621.7), dbSNP rs1761915366, ClinGen allele CA916082817.